The following is an entry in ClinVar:

ClinVar aggregate classification (germline): Pathogenic (1 of 4 stars; one submission).

Conditions:
Breast-ovarian cancer, familial, susceptibility to, 1 (BROVCA1). Also called: OVARIAN CANCER, SUSCEPTIBILITY TO; BRCA1 Hereditary Breast and Ovarian Cancer. Identifiers: Orphanet 145, MedGen C2676676, MONDO:0011450, OMIM 604370. Disease mechanism: loss of function.

Submission:

Institute of Human Genetics, University of Leipzig Medical Center
Classification: Pathogenic for Breast-ovarian cancer, familial, susceptibility to, 1. Last evaluated: 2026-06-11. Review status: criteria provided, single submitter. Criteria: ACMG Guidelines, 2015. Collection method: clinical testing. Allele origin: unknown. Inheritance: Autosomal dominant inheritance. Affected: yes.
Comment: Criteria applied: PVS1, PM5_PTC_SUP

NM_007294.4:c.(441+1_442-1)_(547+1_548-1)del

Gene: BRCA1 (BRCA1 DNA repair associated; minus strand).
Variant type: Deletion.
Other names: c.(441+1_442-1)_(547+1_548-1)del (NM_007294.4).
Identifiers: ClinVar variation 1707505 (VCV001707505.2).